The following is an entry in ClinVar:

ClinVar aggregate classification (germline): Likely pathogenic (1 of 4 stars; one submission).

Conditions:
ASH1L-related disorder. Also called: ASH1L-related condition.

Submission:

PreventionGenetics, part of Exact Sciences
Classification: Likely pathogenic for ASH1L-related condition. Last evaluated: 2023-02-17. Review status: criteria provided, single submitter. Criteria: ACMG Guidelines, 2015. Collection method: clinical testing. Allele origin: germline.
Comment: The ASH1L c.7357T>C variant is predicted to result in the amino acid substitution p.Ser2453Pro. To our knowledge, this variant has not been reported in the literature or in a large population database, indicating this variant is rare. This variant is interpreted as likely pathogenic.

NM_018489.3(ASH1L):c.7357T>C (p.Ser2453Pro)

Gene: ASH1L (ASH1 like histone lysine methyltransferase; minus strand). Cytogenetic location: 1q22.
Variant type: single nucleotide variant.
Coding change: c.7357T>C on transcript NM_018489.3 (MANE Select); coding-DNA position 7357, T replaced by C.
Protein change: p.Ser2453Pro; replaces serine 2453 with proline.
Molecular consequence: missense variant.
Genome position (GRCh38, 1-based): chr1:155,352,715, A>G on the plus strand (T>C on the coding strand, the complement: ASH1L is on the minus strand). VCF-style: chr1-155352715-A-G. GRCh37 (hg19) VCF-style: chr1-155322506-A-G.
Other names: c.7372T>C, p.Ser2458Pro (NM_001366177.2); short protein forms S2453P, S2458P.
Identifiers: ClinVar variation 2637244 (VCV002637244.1), dbSNP rs2525753200, ClinGen allele CA342744479.
Genomic context (GRCh38, chr1:155,352,715, plus strand): 5'-AAAGAAAAAGAAAAAGAAAAAAAGAACGAATTTGAAGGTGGTTATAGTCACCTTTATAAG[A>G]GATGATACCATCACAAATTTCTTTGAAGATCTGGGCTAGGCGGGCTGCCCGAGCCACTTC-3'
Protein context (NP_060959.2, residues 2443-2463): IFKEICDGII[Ser2453Pro]YKDSSRQALA